The following is an entry in ClinVar:

ClinVar aggregate classification (germline): Benign. Review status: criteria provided, multiple submitters, no conflicts (2 of 4 stars). 3 submissions from 2 submitters: Benign (3). Last evaluated 2018-01-13.

Conditions:
Autosomal recessive osteopetrosis 7. Identifiers: Orphanet 178389, MedGen C2676766, MONDO:0012859, OMIM 612301.
Paget disease of bone 2, early-onset (PDB2). Also called: Paget disease of bone 2. Identifiers: MedGen C4085251, MONDO:0011183, OMIM 602080.

Allele frequency attached by ClinVar (database versions not stated): 1000 Genomes Project 0.04193; TOPMed 0.04702.

Submissions (3):

Illumina Laboratory Services, Illumina
Classification: Benign for Autosomal recessive osteopetrosis 7. Last evaluated: 2018-01-13. Review status: criteria provided, single submitter. Criteria: ICSL Variant Classification Criteria 13 December 2019. Collection method: clinical testing. Allele origin: germline.
Comment: This variant was observed in the ICSL laboratory as part of a predisposition screen in an ostensibly healthy population. It had not been previously curated by ICSL or reported in the Human Gene Mutation Database (HGMD: prior to June 1st, 2018), and was therefore a candidate for classification through an automated scoring system. Utilizing variant allele frequency, disease prevalence and penetrance estimates, and inheritance mode, an automated score was calculated to assess if this variant is too frequent to cause the disease. Based on the score and internal cut-off values, a variant classified as benign is not then subjected to further curation. The score for this variant resulted in a classification of benign for this disease.

Illumina Laboratory Services, Illumina
Classification: Benign for Paget disease of bone 2, early-onset. Last evaluated: 2018-01-13. Review status: criteria provided, single submitter. Criteria: ICSL Variant Classification Criteria 13 December 2019. Collection method: clinical testing. Allele origin: germline.
Comment: the same text as in the submission from Illumina Laboratory Services, Illumina above.

Breakthrough Genomics
Classification: Benign. Review status: criteria provided, single submitter. Criteria: ACMG Guidelines, 2015. Collection method: not provided. Allele origin: germline. Inheritance: Autosomal recessive inheritance. Affected: yes.

NM_003839.4(TNFRSF11A):c.*634C>G

Gene: TNFRSF11A (TNF receptor superfamily member 11a; plus strand). Cytogenetic location: 18q21.33.
Variant type: single nucleotide variant.
Coding change: c.*634C>G on transcript NM_003839.4 (MANE Select); 634 bases downstream of the stop codon, C replaced by G.
Molecular consequence: 3 prime UTR variant.
Genome position (GRCh38, 1-based): chr18:62,385,668, C>G. VCF-style: chr18-62385668-C-G. GRCh37 (hg19) VCF-style: chr18-60052901-C-G.
Other names: c.*909C>G (NM_001270949.2); c.*634C>G (NM_001270950.2, NM_001270951.2, NM_001278268.2).
Identifiers: ClinVar variation 327751 (VCV000327751.6), dbSNP rs7232657, ClinGen allele CA10651306.